The following is an entry in ClinVar:

NM_001009944.3(PKD1):c.11853dup (p.Arg3952fs)

Gene: PKD1 (polycystin 1, transient receptor potential channel interacting; minus strand). Cytogenetic location: 16p13.3.
Variant type: Duplication.
Coding change: c.11853dup on transcript NM_001009944.3 (MANE Select); coding-DNA position 11853, one base duplicated (A; older notation c.11853dupA).
Protein change: p.Arg3952fs; shifts the reading frame from arginine 3952.
Molecular consequence: frameshift variant.
Genome position (GRCh38, 1-based): chr16:2,091,034, T duplicated on the plus strand (A on the coding strand, the reverse complement: PKD1 is on the minus strand). VCF-style (leftmost placement, unchanged base first): chr16-2091033-G-GT. GRCh37 (hg19) VCF-style: chr16-2141034-G-GT.
Other names: c.11850dup, p.Arg3951fs (NM_000296.4); short protein forms R3951fs, R3952fs.
Identifiers: ClinVar variation 997356 (VCV000997356.1), dbSNP rs2091493781, ClinGen allele CA2202043108.
Genomic context (GRCh38, chr16:2,091,033, plus strand): 5'-GCGGGCGGCCGCGCACGAAACGGGTCCACTGGCGGTCAGCGGCACCCAGCTGGGCGAGGC[G>GT]TACCAGTGCCGTGGCCGCCGTCAGCGCCACCAGCAGCCACCGCGCCCAGGCTCCGAGCCG-3'

ClinVar aggregate classification (germline): Pathogenic (0 of 4 stars; one submission).

Conditions:
Polycystic kidney disease. Also called: Polycystic kidney dysplasia; Kidney, Polycystic. Identifiers: MedGen C0022680, MeSH D007690, MONDO:0020642, HP:0000113.

Submission:

Department of Pathology and Laboratory Medicine, Sinai Health System
Classification: Pathogenic for Polycystic Kidney disease. Review status: no assertion criteria provided. Collection method: clinical testing. Allele origin: unknown. Affected: yes. Observed: 1 variant allele. Study: The Canadian Open Genetics Repository (COGR).
Comment: The PKD1 p.Arg3952ThrfsX9 variant was not identified in the literature nor was it identified in the dbSNP, ClinVar, GeneInsight-COGR, LOVD 3.0, ADPKD Mutation Database, or PKD1-LOVD databases. The variant was not identified in the following control databases: the 1000 Genomes Project, the NHLBI GO Exome Sequencing Project, the Exome Aggregation Consortium (August 8th 2016), or the Genome Aggregation Database (Feb 27, 2017). The c.11853dupA variant is predicted to cause a frameshift, which alters the protein amino acid sequence beginning at codon 3952 and leads to a premature stop codon 9 codons downstream. This alteration is then predicted to result in a truncated or absent protein and loss of function. Loss of function variants of the PKD1 gene are an established mechanism of disease in polycystic kidney disease and is the type of variant expected to cause the disorder. In summary, based on the above information this variant meets our laboratoryâ€šÃ„Ã´s criteria to be classified as pathogenic.